The following is an entry in ClinVar:

ClinVar aggregate classification (germline): Likely pathogenic. Review status: criteria provided, multiple submitters, no conflicts (2 of 4 stars). 2 submissions from 2 submitters: Likely pathogenic (2). Last evaluated 2023-05-31.

Conditions:
Hypertrophic cardiomyopathy. Also called: HYPERTROPHIC MYOCARDIOPATHY. Identifiers: Orphanet 217569, MedGen C0007194, MeSH D002312, MONDO:0005045, HP:0001639.

Allele frequency attached by ClinVar (database versions not stated): gnomAD exomes below 0.00001.
gnomAD v4.1: 2 of 1,613,246 alleles (0.00012%); highest among the groups gnomAD compares: Non-Finnish European, 0.00017%; no homozygotes.

Submissions (2):

All of Us Research Program, National Institutes of Health
Classification: Likely pathogenic for Hypertrophic cardiomyopathy. Last evaluated: 2023-05-31. Review status: criteria provided, single submitter. Criteria: ACMG Guidelines, 2015. Collection method: clinical testing. Allele origin: germline. Inheritance: Autosomal dominant inheritance. Observed: 1 variant allele, 1 heterozygote.
Comment: The c.1343T>C (p.Phe448Ser) variant of the MYBPC3 gene replaces phenylalanine with serine at codon 448 of the MYBPC3 protein. This variant has been reported in an individual affected with hypertrophic cardiomyopathy (HCM) (PMID:24111713). This variant has also been found de novo in another individual with HCM (PMID: 31912959). In addition, the presence of this variant in the general population is extremely rare according to gnomAD (1/247682). Therefore, the c.1343T>C (p.Phe448Ser) variant in the MYBPC3 gene has been classified as likely pathogenic.

This study involves interpretation of variants in research participants for the purpose of population health screening. Participant phenotype was not available at the time of variant classification. Additional details can be found in publication PMID: 35346344, PMCID: PMC8962531

Laboratory for Molecular Medicine, Mass General Brigham Personalized Medicine
Classification: Likely pathogenic for Hypertrophic cardiomyopathy. Last evaluated: 2013-02-12. Review status: criteria provided, single submitter. Criteria: LMM Criteria. Collection method: clinical testing. Allele origin: germline. Observed: 1 variant allele.
Comment: proposed classification - variant undergoing re-assessment, contact laboratory

Literature cited by the submitters: PubMed 24111713 (cited by All of Us Research Program, National Institutes of Health); PubMed 31912959 (cited by All of Us Research Program, National Institutes of Health).

NM_000256.3(MYBPC3):c.1343T>C (p.Phe448Ser)

Gene: MYBPC3 (myosin binding protein C3; minus strand). Cytogenetic location: 11p11.2.
Variant type: single nucleotide variant.
Coding change: c.1343T>C on transcript NM_000256.3 (MANE Select); coding-DNA position 1343, T replaced by C.
Protein change: p.Phe448Ser; replaces phenylalanine 448 with serine.
Molecular consequence: missense variant.
Genome position (GRCh38, 1-based): chr11:47,343,029, A>G on the plus strand (T>C on the coding strand, the complement: MYBPC3 is on the minus strand). VCF-style: chr11-47343029-A-G. GRCh37 (hg19) VCF-style: chr11-47364580-A-G.
Other names: short protein forms F448S.
Identifiers: ClinVar variation 177685 (VCV000177685.5), dbSNP rs727504279, ClinGen allele CA010132.
Genomic context (GRCh38, chr11:47,343,029, plus strand): 5'-CCCTGAGGCCATCTCCTCCCCAGGTTCCCACATCCTCAGGTCCCAGGCCCACCTTTCACA[A>G]AGAGCTCCGTGCTACACTTCTCGCCACCCACCACGCACTGGTAGGCTGCGTCGTCCGCCA-3'
Protein context (NP_000247.2, residues 438-458): VGGEKCSTEL[Phe448Ser]VKEPPVLITR